The following is an entry in ClinVar:

ClinVar aggregate classification (germline): Pathogenic. Review status: criteria provided, multiple submitters, no conflicts (2 of 4 stars). 2 submissions from 2 submitters: Pathogenic (2). Last evaluated 2025-11-15.

Allele frequency attached by ClinVar (database versions not stated): gnomAD exomes below 0.00001.

Submissions (2):

Labcorp Genetics (formerly Invitae), Labcorp
Classification: Pathogenic. Last evaluated: 2025-11-15. Review status: criteria provided, single submitter. Criteria: Invitae Variant Classification Sherloc (09022015). Collection method: clinical testing. Allele origin: germline.
Comment: This sequence change creates a premature translational stop signal (p.Val208Tyrfs*15) in the MUT gene. It is expected to result in an absent or disrupted protein product. Loss-of-function variants in MUT are known to be pathogenic (PMID: 15781192). This variant is not present in population databases (gnomAD no frequency). This premature translational stop signal has been observed in individual(s) with methylmalonic aciduria (PMID: 27167370). ClinVar contains an entry for this variant (Variation ID: 640726). For these reasons, this variant has been classified as Pathogenic.

Dasa
Classification: Pathogenic. Last evaluated: 2024-10-28. Review status: criteria provided, single submitter. Criteria: DASA Assertion Criteria. Collection method: clinical testing. Allele origin: germline.
Comment: NM_000255.4(MMUT):c.622del (p.Val208Tyrfs*15) introduces a premature termination codon predicted to result in loss of normal protein function. Loss-of-function is an established mechanism of disease for this gene. This variant has been recurrently observed in affected individuals with related phenotype in a genotype context consistent with recessive disease (PMID: 27167370; PMID: 12402345). The variant is present at low frequency in population datasets. Based on the available data, this variant is classified as pathogenic.

Literature cited by the submitters: PubMed 15781192 (cited by Labcorp Genetics (formerly Invitae), Labcorp); PubMed 27167370 (cited by Labcorp Genetics (formerly Invitae), Labcorp and Dasa); PubMed 12402345 (cited by Dasa).

NM_000255.4(MMUT):c.622del (p.Val208fs)

Gene: MMUT (methylmalonyl-CoA mutase; minus strand). Cytogenetic location: 6p12.3.
Variant type: Deletion.
Coding change: c.622del on transcript NM_000255.4 (MANE Select); coding-DNA position 622, one base deleted (G; older notation c.622delG).
Protein change: p.Val208fs; shifts the reading frame from valine 208.
Molecular consequence: frameshift variant.
Genome position (GRCh38, 1-based): chr6:49,457,822, C deleted on the plus strand (G on the coding strand, the reverse complement: MMUT is on the minus strand). VCF-style (leftmost placement, unchanged base first): chr6-49457821-AC-A. GRCh37 (hg19) VCF-style: chr6-49425534-AC-A.
Other names: short protein forms V208fs.
Identifiers: ClinVar variation 640726 (VCV000640726.10), dbSNP rs1581834906, ClinGen allele CA915944263.